The following is an entry in ClinVar:

NM_030958.3(SLCO5A1):c.2140A>C (p.Met714Leu)

Gene: SLCO5A1 (solute carrier organic anion transporter family member 5A1; minus strand). Cytogenetic location: 8q13.3.
Variant type: single nucleotide variant.
Coding change: c.2140A>C on transcript NM_030958.3 (MANE Select); coding-DNA position 2140, A replaced by C.
Protein change: p.Met714Leu; replaces methionine 714 with leucine.
Molecular consequence: missense variant. On other transcripts: 3 prime UTR variant (1).
Genome position (GRCh38, 1-based): chr8:69,673,276, T>G on the plus strand (A>C on the coding strand, the complement: SLCO5A1 is on the minus strand). VCF-style: chr8-69673276-T-G. GRCh37 (hg19) VCF-style: chr8-70585511-T-G.
Other names: c.*11A>C (NM_001146008.2); c.1975A>C, p.Met659Leu (NM_001146009.1); short protein forms M659L, M714L.
Identifiers: ClinVar variation 1506137 (VCV001506137.8), dbSNP rs1465848862, ClinGen allele CA371232717.

ClinVar aggregate classification (germline): Uncertain significance (1 of 4 stars; one submission).

Allele frequency attached by ClinVar (database versions not stated): gnomAD exomes below 0.00001.
gnomAD v4.1: 2 of 1,614,236 alleles (0.00012%); highest among the groups gnomAD compares: Admixed American, 0.0033%; no homozygotes.

Submission:

Labcorp Genetics (formerly Invitae), Labcorp
Classification: Uncertain significance. Last evaluated: 2024-05-06. Review status: criteria provided, single submitter. Criteria: Invitae Variant Classification Sherloc (09022015). Collection method: clinical testing. Allele origin: germline.
Comment: This sequence change replaces methionine, which is neutral and non-polar, with leucine, which is neutral and non-polar, at codon 714 of the SLCO5A1 protein (p.Met714Leu). This variant is present in population databases (no rsID available, gnomAD 0.003%). This variant has not been reported in the literature in individuals affected with SLCO5A1-related conditions. ClinVar contains an entry for this variant (Variation ID: 1506137). An algorithm developed to predict the effect of missense changes on protein structure and function (PolyPhen-2) suggests that this variant is likely to be tolerated. In summary, the available evidence is currently insufficient to determine the role of this variant in disease. Therefore, it has been classified as a Variant of Uncertain Significance.